The following is an entry in ClinVar:

ClinVar aggregate classification (germline): Likely benign. Review status: criteria provided, multiple submitters, no conflicts (2 of 4 stars). 2 submissions from 2 submitters: Likely benign (2). Last evaluated 2023-02-06.

Conditions:
Epidermolysis bullosa simplex, Ogna type (EBS5A). Also called: Pidermolysis bullosa simplex 5A, Ogna type; EPIDERMOLYSIS BULLOSA SIMPLEX 5A, OGNA TYPE. Identifiers: Orphanet 79401, MedGen C0432317, MONDO:0007555, OMIM 131950.
Epidermolysis bullosa simplex 5C, with pyloric atresia (EBS5C). Also called: PLEC1-Related Epidermolysis Bullosa with Pyloric Atresia; PLEC-Related Epidermolysis Bullosa with Pyloric Atresia; Epidermolysis bullosa simplex with pyloric atresia. Identifiers: Orphanet 158684, MedGen C2677349, MONDO:0012807, OMIM 612138.
Epidermolysis bullosa simplex 5B, with muscular dystrophy (EBS5B). Also called: Epidermolysis bullosa simplex with muscular dystrophy; EPIDERMOLYSIS BULLOSA SIMPLEX AND LIMB-GIRDLE MUSCULAR DYSTROPHY. Identifiers: Orphanet 257, MedGen C2931072, MONDO:0009181, OMIM 226670.
Autosomal recessive limb-girdle muscular dystrophy type 2Q (LGMDR17). Also called: MUSCULAR DYSTROPHY, LIMB-GIRDLE, AUTOSOMAL RECESSIVE 17. Identifiers: Orphanet 254361, MedGen C3150989, MONDO:0013390, OMIM 613723.
Epidermolysis bullosa simplex with nail dystrophy (EBS5D). Identifiers: MedGen C4225309, MONDO:0014661, OMIM 616487.

Allele frequency attached by ClinVar (database versions not stated): gnomAD 0.00002; gnomAD exomes below 0.00001 and 0.00001; TOPMed 0.00001.
gnomAD v4.1: 20 of 1,608,716 alleles (0.0012%); highest among the groups gnomAD compares: Non-Finnish European, 0.0017%; no homozygotes.

Submissions (2):

Labcorp Genetics (formerly Invitae), Labcorp
Classification: Likely benign for Autosomal recessive limb-girdle muscular dystrophy type 2Q; Epidermolysis bullosa simplex, Ogna type; Epidermolysis bullosa simplex with nail dystrophy; Epidermolysis bullosa simplex 5C, with pyloric atresia; Epidermolysis bullosa simplex 5B, with muscular dystrophy. Last evaluated: 2023-02-06. Review status: criteria provided, single submitter. Criteria: Invitae Variant Classification Sherloc (09022015). Collection method: clinical testing. Allele origin: germline.

GeneDx
Classification: Likely benign. Last evaluated: 2018-04-11. Review status: criteria provided, single submitter. Criteria: GeneDx Variant Classification (06012015). Collection method: clinical testing. Allele origin: germline. Affected: yes.
Comment: This variant is considered likely benign or benign based on one or more of the following criteria: it is a conservative change, it occurs at a poorly conserved position in the protein, it is predicted to be benign by multiple in silico algorithms, and/or has population frequency not consistent with disease.

NM_201384.3(PLEC):c.12768C>T (p.Tyr4256=)

Gene: PLEC (plectin; minus strand). Cytogenetic location: 8q24.3.
Variant type: single nucleotide variant.
Coding change: c.12768C>T on transcript NM_201384.3 (MANE Select); coding-DNA position 12768, C replaced by T.
Protein change: p.Tyr4256=; no amino-acid change (tyrosine 4256 retained).
Molecular consequence: synonymous variant.
Genome position (GRCh38, 1-based): chr8:143,917,053, G>A on the plus strand (C>T on the coding strand, the complement: PLEC is on the minus strand). VCF-style: chr8-143917053-G-A. GRCh37 (hg19) VCF-style: chr8-144991221-G-A.
Other names: c.12849C>T, p.Tyr4283= (NM_000445.5); c.12726C>T, p.Tyr4242= (NM_201378.4); c.12702C>T, p.Tyr4234= (NM_201379.3); c.13179C>T, p.Tyr4393= (NM_201380.4); c.12672C>T, p.Tyr4224= (NM_201381.3); c.12768C>T, p.Tyr4256= (NM_201382.4); c.12780C>T, p.Tyr4260= (NM_201383.3).
Identifiers: ClinVar variation 681709 (VCV000681709.4), dbSNP rs1407575039, ClinGen allele CA463526965.